The following is an entry in ClinVar:

ClinVar aggregate classification (germline): Likely benign (1 of 4 stars; one submission).

Conditions:
TTC21B-related disorder. Also called: TTC21B-related condition; TTC21B-related disorders.

gnomAD v4.1: 1 of 1,613,794 alleles (0.000062%); highest among the groups gnomAD compares: African/African-American, 0.0013%; no homozygotes.

Submission:

PreventionGenetics, part of Exact Sciences
Classification: Likely benign for TTC21B-related condition. Last evaluated: 2026-05-06. Review status: criteria provided, single submitter. Criteria: ACMG Guidelines, 2015. Collection method: clinical testing. Allele origin: germline.
Comment: This variant is classified as likely benign based on ACMG/AMP sequence variant interpretation guidelines (Richards et al. 2015 PMID: 25741868, with internal and published modifications).

NM_024753.5(TTC21B):c.2595A>G (p.Leu865=)

Gene: TTC21B (tetratricopeptide repeat domain 21B; minus strand). Cytogenetic location: 2q24.3.
Variant type: single nucleotide variant.
Coding change: c.2595A>G on transcript NM_024753.5 (MANE Select); coding-DNA position 2595, A replaced by G.
Protein change: p.Leu865=; no amino-acid change (leucine 865 retained).
Molecular consequence: synonymous variant.
Genome position (GRCh38, 1-based): chr2:165,901,884, T>C on the plus strand (A>G on the coding strand, the complement: TTC21B is on the minus strand). VCF-style: chr2-165901884-T-C. GRCh37 (hg19) VCF-style: chr2-166758394-T-C.
Identifiers: ClinVar variation 4995843 (VCV004995843.1).
Genomic context (GRCh38, chr2:165,901,884, plus strand): 5'-TTCAGCTGCTAAATGTTTCTGTGCAGGAACTGCATCTGGCTGTTCCATCTGAACACGTTT[T>C]AGTACCCGAGCTTGTAATTCTCGAGCCTAGAAAAAATCAGTATAAAAGGGAATAAAAAAA-3'
Protein context (NP_079029.3, residues 855-875): QQARELQARV[Leu865=]KRVQMEQPDA